The following is an entry in ClinVar:

NM_001429.4(EP300):c.3659C>G (p.Ser1220Cys)

Gene: EP300 (EP300 lysine acetyltransferase; plus strand). Cytogenetic location: 22q13.2.
Variant type: single nucleotide variant.
Coding change: c.3659C>G on transcript NM_001429.4 (MANE Select); coding-DNA position 3659, C replaced by G.
Protein change: p.Ser1220Cys; replaces serine 1220 with cysteine.
Molecular consequence: missense variant.
Genome position (GRCh38, 1-based): chr22:41,160,710, C>G. VCF-style: chr22-41160710-C-G. GRCh37 (hg19) VCF-style: chr22-41556714-C-G.
Other names: c.3581C>G, p.Ser1194Cys (NM_001362843.2); short protein forms S1194C, S1220C.
Identifiers: ClinVar variation 2662481 (VCV002662481.5), dbSNP rs1176732027, ClinGen allele CA411696603.

ClinVar aggregate classification (germline): Conflicting classifications of pathogenicity. Review status: criteria provided, conflicting classifications (1 of 4 stars). 3 submissions from 3 submitters: Uncertain significance (2); Likely benign (1). Last evaluated 2025-01-21.

Conditions:
Rubinstein-Taybi syndrome due to EP300 haploinsufficiency. Also called: EP300-Related Rubinstein-Taybi Syndrome; RUBINSTEIN-TAYBI SYNDROME 2. Identifiers: Orphanet 353284, Orphanet 783, MedGen C3150941, MONDO:0013364, OMIM 613684.
EP300-related disorder. Also called: EP300-related disorders; EP300-related condition.

Allele frequency attached by ClinVar (database versions not stated): gnomAD 0.00001.
gnomAD v4.1: 2 of 1,613,890 alleles (0.00012%); highest among the groups gnomAD compares: African/African-American, 0.0027%; no homozygotes.

Submissions (3):

PreventionGenetics, part of Exact Sciences
Classification: Uncertain significance for EP300-related condition. Last evaluated: 2025-01-21. Review status: criteria provided, single submitter. Criteria: ACMG Guidelines, 2015. Collection method: clinical testing. Allele origin: germline.
Comment: The EP300 c.3659C>G variant is predicted to result in the amino acid substitution p.Ser1220Cys. To our knowledge, this variant has not been reported in the literature. This variant is reported in 0.0062% of alleles in individuals of African descent in gnomAD. At this time, the clinical significance of this variant is uncertain due to the absence of conclusive functional and genetic evidence.

GeneDx
Classification: Uncertain significance. Last evaluated: 2023-10-18. Review status: criteria provided, single submitter. Criteria: GeneDx Variant Classification Process June 2021. Collection method: clinical testing. Allele origin: germline. Affected: yes.
Comment: In silico analysis supports that this missense variant has a deleterious effect on protein structure/function; Has not been previously published as pathogenic or benign to our knowledge

Labcorp Genetics (formerly Invitae), Labcorp
Classification: Likely benign for Rubinstein-Taybi syndrome due to EP300 haploinsufficiency. Last evaluated: 2023-03-08. Review status: criteria provided, single submitter. Criteria: Invitae Variant Classification Sherloc (09022015). Collection method: clinical testing. Allele origin: germline.